The following is an entry in ClinVar:

ClinVar aggregate classification (germline): Conflicting classifications of pathogenicity. Review status: criteria provided, conflicting classifications (1 of 4 stars). 4 submissions from 4 submitters: Uncertain significance (1); Likely benign (2). 1 of the submissions does not count toward it. Last evaluated 2026-01-11.

Conditions:
Familial dysautonomia. Also called: FD; HSAN III. Identifiers: Orphanet 1764, MedGen C0013364, MONDO:0009131, OMIM 223900. Disease mechanism: loss of function.

Allele frequency attached by ClinVar (database versions not stated): TOPMed 0.00008; 1000 Genomes Project 30x 0.00031; 1000 Genomes Project 0.00040.
gnomAD v4.1: 278 of 1,611,376 alleles (0.017%); highest among the groups gnomAD compares: South Asian, 0.13%; 1 homozygote.

Submissions (4):

Labcorp Genetics (formerly Invitae), Labcorp
Classification: Likely benign. Last evaluated: 2026-01-11. Review status: criteria provided, single submitter. Criteria: Invitae Variant Classification Sherloc (09022015). Collection method: clinical testing. Allele origin: germline.

Mayo Clinic Laboratories, Mayo Clinic
Classification: Likely benign. Last evaluated: 2025-07-29. Review status: criteria provided, single submitter. Criteria: ACMG Guidelines, 2015. Collection method: clinical testing. Allele origin: germline. Observed: 1 variant allele.
Comment: BP4, BP7

Ambry Genetics
Classification: Uncertain significance. Last evaluated: 2020-06-15. Review status: criteria provided, single submitter. Criteria: Ambry Variant Classification Scheme 2023. Collection method: clinical testing. Allele origin: germline.
Comment: The c.650-6G>A intronic alteration consists of a G to A substitution 6 nucleotides before coding exon 7 in the IKBKAP gene. Based on insufficient or conflicting evidence, the clinical significance of this alteration remains unclear.

Natera, Inc.
Classification: Likely benign for Hereditary sensory and autonomic neuropathy type III. Last evaluated: 2020-04-16. Review status: no assertion criteria provided. Collection method: clinical testing. Allele origin: germline. Not counted in ClinVar's aggregate classification.

NM_003640.5(ELP1):c.650-6G>A

Gene: ELP1 (elongator acetyltransferase complex subunit 1; minus strand). Cytogenetic location: 9q31.3.
Variant type: single nucleotide variant.
Coding change: c.650-6G>A on transcript NM_003640.5 (MANE Select); 6 bases into the intron before coding-DNA position 650, G replaced by A.
Molecular consequence: intron variant.
Genome position (GRCh38, 1-based): chr9:108,918,907, C>T on the plus strand (G>A on the coding strand, the complement: ELP1 is on the minus strand). VCF-style: chr9-108918907-C-T. GRCh37 (hg19) VCF-style: chr9-111681187-C-T.
Other names: p.?; c.308-6G>A (NM_001318360.2); c.-307-1237G>A (NM_001330749.2); c.650-6G>A (LRG_251t1).
Identifiers: ClinVar variation 455971 (VCV000455971.15), dbSNP rs571466270, ClinGen allele CA5175273.
Genomic context (GRCh38, chr9:108,918,907, plus strand): 5'-TCACTGGTTGACTGCAAAGCAAACTCTCGGTTCCACACTCTGACCTTCCGAGCCCCTGTG[C>T]GGGAGTGGAGTCAAACACACATACACACTTAAAACATTATGATAAAAGTTGTCAATTCAG-3'